The following is an entry in ClinVar:

ClinVar aggregate classification (germline): Uncertain significance (1 of 4 stars; one submission).

Submission:

GeneDx
Classification: Uncertain significance. Last evaluated: 2017-06-07. Review status: criteria provided, single submitter. Criteria: GeneDx Variant Classification (06012015). Collection method: clinical testing. Allele origin: germline. Affected: yes.
Comment: The Q718K variant in the PKD1 gene has not been reported previously as a pathogenic variant, nor as a benign variant, to our knowledge. The Q718K variant is not observed in large population cohorts (Lek et al., 2016; 1000 Genomes Consortium et al., 2015; Exome Variant Server). The Q718K variant is a semi-conservative amino acid substitution, which occurs at a position that is conserved across species. In silico analysis predicts this variant is probably damaging to the protein structure/function. We interpret Q718Kas a variant of uncertain significance.

NM_001009944.3(PKD1):c.2152C>A (p.Gln718Lys)

Gene: PKD1 (polycystin 1, transient receptor potential channel interacting; minus strand). Cytogenetic location: 16p13.3.
Variant type: single nucleotide variant.
Coding change: c.2152C>A on transcript NM_001009944.3 (MANE Select); coding-DNA position 2152, C replaced by A.
Protein change: p.Gln718Lys; replaces glutamine 718 with lysine.
Molecular consequence: missense variant.
Genome position (GRCh38, 1-based): chr16:2,114,871, G>T on the plus strand (C>A on the coding strand, the complement: PKD1 is on the minus strand). VCF-style: chr16-2114871-G-T. GRCh37 (hg19) VCF-style: chr16-2164872-G-T.
Other names: c.2152C>A, p.Gln718Lys (NM_000296.4); short protein forms Q718K.
Identifiers: ClinVar variation 432450 (VCV000432450.2), dbSNP rs1555458032, ClinGen allele CA394389258.